The following is an entry in ClinVar:

NM_002853.4(RAD1):c.666-10del

Genes: RAD1 (RAD1 checkpoint DNA exonuclease; minus strand), TTC23L (tetratricopeptide repeat domain 23 like; plus strand). Cytogenetic location: 5p13.2.
Variant type: Deletion.
Coding change: c.666-10del on transcript NM_002853.4 (MANE Select); 10 bases into the intron before coding-DNA position 666, one base deleted (T; older notation c.666-10delT).
Molecular consequence: intron variant.
Genome position (GRCh38, 1-based): chr5:34,908,958, A deleted on the plus strand (T on the coding strand, the reverse complement: RAD1 is on the minus strand); the first of 6 consecutive A bases (chr5:34,908,958-34,908,963); deleting any one gives the same sequence. VCF-style (leftmost placement, unchanged base first): chr5-34908957-GA-G. GRCh37 (hg19) VCF-style: chr5-34909062-GA-G.
Identifiers: ClinVar variation 3051774 (VCV003051774.2), dbSNP rs41271731, ClinGen allele CA3227750.
Genomic context (GRCh38, chr5:34,908,957, plus strand): 5'-ACAAGATAGGACTAATGCCTTTGTAGAGGGTTTCAGTAAGGAAATCTTGTATCTGTAGAA[GA>G]AAAAATAAAACGCTGTTATATCAACACAGTGAACACTGCTCAGAACTCCCAAGTAAAGGA-3'

ClinVar aggregate classification (germline): Likely benign (0 of 4 stars; one submission).

Conditions:
RAD1-related disorder. Also called: RAD1-related condition.

Submission:

PreventionGenetics, part of Exact Sciences
Classification: Likely benign for RAD1-related condition. Last evaluated: 2022-12-20. Review status: no assertion criteria provided. Collection method: clinical testing. Allele origin: germline.
Comment: This variant is classified as likely benign based on ACMG/AMP sequence variant interpretation guidelines (Richards et al. 2015 PMID: 25741868, with internal and published modifications).